The following is an entry in ClinVar:

NM_001127178.3(PIGG):c.29C>A (p.Thr10Asn)

Gene: PIGG (phosphatidylinositol glycan anchor biosynthesis class G (EMM blood group); plus strand). Cytogenetic location: 4p16.3.
Variant type: single nucleotide variant.
Coding change: c.29C>A on transcript NM_001127178.3 (MANE Select); coding-DNA position 29, C replaced by A.
Protein change: p.Thr10Asn; replaces threonine 10 with asparagine.
Molecular consequence: missense variant. On other transcripts: 5 prime UTR variant (9), non-coding transcript variant (10), intron variant (1).
Genome position (GRCh38, 1-based): chr4:499,364, C>A. VCF-style: chr4-499364-C-A. GRCh37 (hg19) VCF-style: chr4-493153-C-A.
Other names: c.29C>A, p.Thr10Asn (NM_001289052.2, NM_001345989.2, NM_017733.5); c.-797C>A (NM_001289053.2); c.-408C>A (NM_001289055.2); c.-475C>A (NM_001289057.2, NM_001345986.2, NM_001345987.2); c.-1095C>A (NM_001345988.2); c.-1597C>A (NM_001345990.2); c.-1695C>A (NM_001345991.2); c.-1420C>A (NM_001345994.2); and 1 more; short protein forms T10N.
Identifiers: ClinVar variation 2009995 (VCV002009995.1), dbSNP rs946101156, ClinGen allele CA91044646.
Genomic context (GRCh38, chr4:499,364, plus strand): 5'-GTCGGTTCCGCATCCAGCCTAGCGTGTCCACGATGCGGCTGGGCTCCGGGACTTTCGCTA[C>A]CTGTTGCGTAGCGATCGAGGTGCTAGGGATCGCGGTCTTCCTTCGGGGATTCTTCCCGGC-3'
Protein context (NP_001120650.1, residues 1-20): MRLGSGTFA[Thr10Asn]CCVAIEVLGI

ClinVar aggregate classification (germline): Uncertain significance (1 of 4 stars; one submission).

Conditions:
Intellectual disability, autosomal recessive 53 (NEDHSCA). Also called: NEURODEVELOPMENTAL DISORDER WITH OR WITHOUT HYPOTONIA, SEIZURES, AND CEREBELLAR ATROPHY; GLYCOSYLPHOSPHATIDYLINOSITOL BIOSYNTHESIS DEFECT 13; Mental retardation, autosomal recessive 53. Identifiers: Orphanet 488635, MedGen C4310794, MONDO:0014832, OMIM 616917.

Allele frequency attached by ClinVar (database versions not stated): gnomAD exomes 0.00001; gnomAD 0.00004; TOPMed 0.00008.
gnomAD v4.1: 10 of 1,609,704 alleles (0.00062%); highest among the groups gnomAD compares: African/African-American, 0.012%; no homozygotes.

Submission:

Labcorp Genetics (formerly Invitae), Labcorp
Classification: Uncertain significance for Intellectual disability, autosomal recessive 53. Last evaluated: 2022-07-19. Review status: criteria provided, single submitter. Criteria: Invitae Variant Classification Sherloc (09022015). Collection method: clinical testing. Allele origin: germline.
Comment: This sequence change replaces threonine, which is neutral and polar, with asparagine, which is neutral and polar, at codon 10 of the PIGG protein (p.Thr10Asn). This variant is present in population databases (no rsID available, gnomAD 0.008%). This variant has not been reported in the literature in individuals affected with PIGG-related conditions. Algorithms developed to predict the effect of missense changes on protein structure and function (SIFT, PolyPhen-2, Align-GVGD) all suggest that this variant is likely to be tolerated. In summary, the available evidence is currently insufficient to determine the role of this variant in disease. Therefore, it has been classified as a Variant of Uncertain Significance.